The following is an entry in ClinVar:

NM_032242.4(PLXNA1):c.1027C>G (p.Gln343Glu)

Gene: PLXNA1 (plexin A1; plus strand). Cytogenetic location: 3q21.3.
Variant type: single nucleotide variant.
Coding change: c.1027C>G on transcript NM_032242.4 (MANE Select); coding-DNA position 1027, C replaced by G.
Protein change: p.Gln343Glu; replaces glutamine 343 with glutamic acid.
Molecular consequence: missense variant.
Genome position (GRCh38, 1-based): chr3:126,989,620, C>G. VCF-style: chr3-126989620-C-G. GRCh37 (hg19) VCF-style: chr3-126708463-C-G.
Other names: short protein forms Q343E.
Identifiers: ClinVar variation 2536840 (VCV002536840.6), dbSNP rs2078979874, ClinGen allele CA354373217.
Genomic context (GRCh38, chr3:126,989,620, plus strand): 5'-GCCCTGGCCCACCAGCTGGGCCTGGCTGAGGACGAGGACGTGCTGTTCACTGTGTTCGCC[C>G]AGGGCCAGAAGAACCGCGTGAAGCCACCAAAGGAGTCAGCACTGTGCCTGTTCACGCTCA-3'
Protein context (NP_115618.3, residues 333-353): DEDVLFTVFA[Gln343Glu]GQKNRVKPPK

ClinVar aggregate classification (germline): Uncertain significance. Review status: criteria provided, multiple submitters, no conflicts (2 of 4 stars). 2 submissions from 2 submitters: Uncertain significance (2). Last evaluated 2026-04-21.

Conditions:
PLXNA1-related disorder. Also called: PLXNA1-related condition.

Allele frequency attached by ClinVar (database versions not stated): gnomAD 0.00001; gnomAD exomes 0.00001; TOPMed 0.00010.
gnomAD v4.1: 8 of 1,613,022 alleles (0.0005%); highest among the groups gnomAD compares: Admixed American, 0.0067%; no homozygotes.

Submissions (2):

PreventionGenetics, part of Exact Sciences
Classification: Uncertain significance for PLXNA1-related condition. Last evaluated: 2026-04-21. Review status: criteria provided, single submitter. Criteria: ACMG Guidelines, 2015. Collection method: clinical testing. Allele origin: germline.
Comment: The PLXNA1 c.1027C>G variant is predicted to result in the amino acid substitution p.Gln343Glu. To our knowledge, this variant has not been reported in the literature or in a large population database (gnomAD), indicating this variant is rare. At this time, the clinical significance of this variant is uncertain due to the absence of conclusive functional and genetic evidence.

Ambry Genetics
Classification: Uncertain significance. Last evaluated: 2025-08-21. Review status: criteria provided, single submitter. Criteria: Ambry Variant Classification Scheme 2023. Collection method: clinical testing. Allele origin: germline.